The following is an entry in ClinVar:

NM_019098.5(CNGB3):c.1373G>A (p.Cys458Tyr)

Gene: CNGB3 (cyclic nucleotide gated channel subunit beta 3; minus strand). Cytogenetic location: 8q21.3.
Variant type: single nucleotide variant.
Coding change: c.1373G>A on transcript NM_019098.5 (MANE Select); coding-DNA position 1373, G replaced by A.
Protein change: p.Cys458Tyr; replaces cysteine 458 with tyrosine.
Molecular consequence: missense variant.
Genome position (GRCh38, 1-based): chr8:86,629,026, C>T on the plus strand (G>A on the coding strand, the complement: CNGB3 is on the minus strand). VCF-style: chr8-86629026-C-T. GRCh37 (hg19) VCF-style: chr8-87641254-C-T.
Other names: short protein forms C458Y.
Identifiers: ClinVar variation 862314 (VCV000862314.8), dbSNP rs1822907715, ClinGen allele CA371443510.

ClinVar aggregate classification (germline): Uncertain significance (1 of 4 stars; one submission).

Submission:

Labcorp Genetics (formerly Invitae), Labcorp
Classification: Uncertain significance. Last evaluated: 2020-02-22. Review status: criteria provided, single submitter. Criteria: Invitae Variant Classification Sherloc (09022015). Collection method: clinical testing. Allele origin: germline.
Comment: This sequence change replaces cysteine with tyrosine at codon 458 of the CNGB3 protein (p.Cys458Tyr). The cysteine residue is moderately conserved and there is a large physicochemical difference between cysteine and tyrosine. This variant is not present in population databases (ExAC no frequency). This variant has not been reported in the literature in individuals with CNGB3-related conditions. Algorithms developed to predict the effect of missense changes on protein structure and function output the following: SIFT: "Deleterious"; PolyPhen-2: "Benign"; Align-GVGD: "Class C15". The tyrosine amino acid residue is found in multiple mammalian species, suggesting that this missense change does not adversely affect protein function. These predictions have not been confirmed by published functional studies and their clinical significance is uncertain. In summary, the available evidence is currently insufficient to determine the role of this variant in disease. Therefore, it has been classified as a Variant of Uncertain Significance.